The following is an entry in ClinVar:

ClinVar aggregate classification (germline): Uncertain significance. Review status: criteria provided, multiple submitters, no conflicts (2 of 4 stars). 3 submissions from 3 submitters: Uncertain significance (3). Last evaluated 2024-12-12.

Conditions:
Baller-Gerold syndrome (BGS). Also called: CRANIOSYNOSTOSIS WITH RADIAL DEFECTS. Identifiers: Orphanet 1225, MedGen C0265308, MONDO:0009039, OMIM 218600.

Allele frequency attached by ClinVar (database versions not stated): ESP Exome Variant Server 0.00008; TOPMed 0.00008; gnomAD 0.00013; ExAC 0.00018.
gnomAD v4.1: 152 of 1,598,576 alleles (0.0095%); highest among the groups gnomAD compares: South Asian, 0.02%; no homozygotes.

Submissions (3):

Labcorp Genetics (formerly Invitae), Labcorp
Classification: Uncertain significance for Baller-Gerold syndrome. Last evaluated: 2024-12-12. Review status: criteria provided, single submitter. Criteria: Invitae Variant Classification Sherloc (09022015). Collection method: clinical testing. Allele origin: germline.
Comment: This sequence change replaces valine, which is neutral and non-polar, with isoleucine, which is neutral and non-polar, at codon 910 of the RECQL4 protein (p.Val910Ile). This variant is present in population databases (rs374225917, gnomAD 0.02%). This variant has not been reported in the literature in individuals affected with RECQL4-related conditions. ClinVar contains an entry for this variant (Variation ID: 286975). Invitae Evidence Modeling of protein sequence and biophysical properties (such as structural, functional, and spatial information, amino acid conservation, physicochemical variation, residue mobility, and thermodynamic stability) indicates that this missense variant is not expected to disrupt RECQL4 protein function with a negative predictive value of 80%. In summary, the available evidence is currently insufficient to determine the role of this variant in disease. Therefore, it has been classified as a Variant of Uncertain Significance.

Mayo Clinic Laboratories, Mayo Clinic
Classification: Uncertain significance. Last evaluated: 2024-06-10. Review status: criteria provided, single submitter. Criteria: ACMG Guidelines, 2015. Collection method: clinical testing. Allele origin: germline. Observed: 1 variant allele.

Eurofins Ntd Llc (ga)
Classification: Uncertain significance. Last evaluated: 2016-04-06. Review status: criteria provided, single submitter. Criteria: EGL Classification Definitions 2015. Collection method: clinical testing. Allele origin: germline. Observed: 1 variant allele, 1 heterozygote.

NM_004260.4(RECQL4):c.2728G>A (p.Val910Ile)

Gene: RECQL4 (RecQ like helicase 4; minus strand). Cytogenetic location: 8q24.3.
Variant type: single nucleotide variant.
Coding change: c.2728G>A on transcript NM_004260.4 (MANE Select); coding-DNA position 2728, G replaced by A.
Protein change: p.Val910Ile; replaces valine 910 with isoleucine.
Molecular consequence: missense variant.
Genome position (GRCh38, 1-based): chr8:144,512,874, C>T on the plus strand (G>A on the coding strand, the complement: RECQL4 is on the minus strand). VCF-style: chr8-144512874-C-T. GRCh37 (hg19) VCF-style: chr8-145738257-C-T.
Other names: p.Val910Ile; short protein forms V910I.
Identifiers: ClinVar variation 286975 (VCV000286975.12), dbSNP rs374225917, ClinGen allele CA4948135.